The following is an entry in ClinVar:

NM_000548.5(TSC2):c.2336A>T (p.Tyr779Phe)

Gene: TSC2 (TSC complex subunit 2; plus strand). Cytogenetic location: 16p13.3.
Variant type: single nucleotide variant.
Coding change: c.2336A>T on transcript NM_000548.5 (MANE Select); coding-DNA position 2336, A replaced by T.
Protein change: p.Tyr779Phe; replaces tyrosine 779 with phenylalanine.
Molecular consequence: missense variant.
Genome position (GRCh38, 1-based): chr16:2,072,964, A>T. VCF-style: chr16-2072964-A-T. GRCh37 (hg19) VCF-style: chr16-2122965-A-T.
Other names: c.2336A>T, p.Tyr779Phe (NM_001077183.3, NM_001114382.3, NM_001363528.2 and 3 more transcripts); c.2225A>T, p.Tyr742Phe (NM_001318827.2); c.2189A>T, p.Tyr730Phe (NM_001318829.2); c.1736A>T, p.Tyr579Phe (NM_001318831.2); c.2369A>T, p.Tyr790Phe (NM_001318832.2); short protein forms Y779F, Y730F, Y742F, Y790F, Y579F.
Identifiers: ClinVar variation 577818 (VCV000577818.8), dbSNP rs752656474, ClinGen allele CA038475.

ClinVar aggregate classification (germline): Uncertain significance (1 of 4 stars; one submission).

Conditions:
Tuberous sclerosis 2 (TSC2). Identifiers: Orphanet 805, MedGen C1860707, MONDO:0013199, OMIM 613254.

Allele frequency attached by ClinVar (database versions not stated): ExAC 0.00001.

Submission:

Labcorp Genetics (formerly Invitae), Labcorp
Classification: Uncertain significance for Tuberous sclerosis 2. Last evaluated: 2024-07-22. Review status: criteria provided, single submitter. Criteria: Invitae Variant Classification Sherloc (09022015). Collection method: clinical testing. Allele origin: germline.
Comment: This sequence change replaces tyrosine, which is neutral and polar, with phenylalanine, which is neutral and non-polar, at codon 779 of the TSC2 protein (p.Tyr779Phe). This variant is not present in population databases (gnomAD no frequency). This variant has not been reported in the literature in individuals affected with TSC2-related conditions. ClinVar contains an entry for this variant (Variation ID: 577818). Advanced modeling of protein sequence and biophysical properties (such as structural, functional, and spatial information, amino acid conservation, physicochemical variation, residue mobility, and thermodynamic stability) performed at Invitae indicates that this missense variant is not expected to disrupt TSC2 protein function with a negative predictive value of 95%. In summary, the available evidence is currently insufficient to determine the role of this variant in disease. Therefore, it has been classified as a Variant of Uncertain Significance.